The following is an entry in ClinVar:

ClinVar aggregate classification (germline): Conflicting classifications of pathogenicity. Review status: criteria provided, conflicting classifications (1 of 4 stars). 4 submissions from 4 submitters: Uncertain significance (3); Likely benign (1). Last evaluated 2025-11-25.

Conditions:
Hereditary breast ovarian cancer syndrome. Also called: BRCA1- and BRCA2-Associated Hereditary Breast and Ovarian Cancer; Hereditary breast and ovarian cancer syndrome; Hereditary breast and ovarian cancer; Hereditary breast and ovarian cancer syndrome (HBOC); Breast and ovarian cancer; Hereditary breast and/or ovarian cancer syndrome. Identifiers: Orphanet 145, MedGen C0677776, MeSH D061325, MONDO:0003582. Disease mechanism: loss of function.
Hereditary cancer-predisposing syndrome. Also called: Neoplastic Syndromes, Hereditary; Tumor predisposition; Hereditary Cancer Syndrome; Hereditary neoplastic syndrome. Identifiers: Orphanet 140162, MedGen C0027672, MeSH D009386, MONDO:0015356.

Allele frequency attached by ClinVar (database versions not stated): gnomAD exomes below 0.00001.
gnomAD v4.1: 1 of 1,612,884 alleles (0.000062%); highest among the groups gnomAD compares: Non-Finnish European, 0.000085%; no homozygotes.

Submissions (4):

Labcorp Genetics (formerly Invitae), Labcorp
Classification: Uncertain significance for Hereditary breast ovarian cancer syndrome. Last evaluated: 2025-11-25. Review status: criteria provided, single submitter. Criteria: Invitae Variant Classification Sherloc (09022015). Collection method: clinical testing. Allele origin: germline.
Comment: This sequence change replaces cysteine, which is neutral and slightly polar, with tyrosine, which is neutral and polar, at codon 1885 of the BRCA2 protein (p.Cys1885Tyr). This variant is not present in population databases (gnomAD no frequency). This variant has not been reported in the literature in individuals affected with BRCA2-related conditions. ClinVar contains an entry for this variant (Variation ID: 923901). Invitae Evidence Modeling of protein sequence and biophysical properties (such as structural, functional, and spatial information, amino acid conservation, physicochemical variation, residue mobility, and thermodynamic stability) indicates that this missense variant is not expected to disrupt BRCA2 protein function with a negative predictive value of 95%. In summary, the available evidence is currently insufficient to determine the role of this variant in disease. Therefore, it has been classified as a Variant of Uncertain Significance.

Ambry Genetics
Classification: Uncertain significance for Hereditary cancer-predisposing syndrome. Last evaluated: 2024-09-09. Review status: criteria provided, single submitter. Criteria: Ambry Variant Classification Scheme 2023. Collection method: clinical testing. Allele origin: germline.
Comment: The p.C1885Y variant (also known as c.5654G>A), located in coding exon 10 of the BRCA2 gene, results from a G to A substitution at nucleotide position 5654. The cysteine at codon 1885 is replaced by tyrosine, an amino acid with highly dissimilar properties. This amino acid position is not well conserved in available vertebrate species. In addition, this alteration is predicted to be tolerated by in silico analysis. Since supporting evidence is limited at this time, the clinical significance of this alteration remains unclear.

University of Washington Department of Laboratory Medicine, University of Washington
Classification: Likely benign for Hereditary cancer-predisposing syndrome. Last evaluated: 2023-03-23. Review status: criteria provided, single submitter. Criteria: Dines et al. (Genet Med. 2020). Collection method: curation. Allele origin: germline.
Comment: Missense variant in a coldspot region where missense variants are very unlikely to be pathogenic (PMID:31911673).

BRCA2 exon 11 coldspot. Reclassification based on statistical prior probability.

Color Diagnostics, LLC DBA Color Health
Classification: Uncertain significance for Hereditary cancer-predisposing syndrome. Last evaluated: 2019-11-01. Review status: criteria provided, single submitter. Criteria: ACMG Guidelines, 2015. Collection method: clinical testing. Allele origin: germline.
Comment: This missense variant replaces cysteine with tyrosine at codon 1885 of the BRCA2 protein. Computational prediction tool suggests that this variant may not impact protein structure and function (internally defined REVEL score threshold ≤0.5, PMID: 27666373). Splice site prediction tools suggest that this variant may not impact RNA splicing. To our knowledge, functional studies have not been performed for this variant. This variant has not been reported in individuals affected with hereditary cancer in the literature. This variant has not been identified in the general population by the Genome Aggregation Database (gnomAD). The available evidence is insufficient to determine the role of this variant in disease conclusively. Therefore, this variant is classified as a Variant of Uncertain Significance.

NM_000059.4(BRCA2):c.5654G>A (p.Cys1885Tyr)

Gene: BRCA2 (BRCA2 DNA repair associated; plus strand). Cytogenetic location: 13q13.1.
Variant type: single nucleotide variant.
Coding change: c.5654G>A on transcript NM_000059.4 (MANE Select); coding-DNA position 5654, G replaced by A.
Protein change: p.Cys1885Tyr; replaces cysteine 1885 with tyrosine.
Molecular consequence: missense variant.
Genome position (GRCh38, 1-based): chr13:32,340,009, G>A. VCF-style: chr13-32340009-G-A. GRCh37 (hg19) VCF-style: chr13-32914146-G-A.
Other names: short protein forms C1885Y.
Identifiers: ClinVar variation 923901 (VCV000923901.15), dbSNP rs876660854, ClinGen allele CA387786168.